The following is an entry in ClinVar:

NC_000005.9:g.(?_127653831)_(127654703_?)del

Gene: FBN2 (fibrillin 2; minus strand). Cytogenetic location: 5q23.3.
Variant type: Deletion.
Identifiers: ClinVar variation 3246295 (VCV003246295.1).

ClinVar aggregate classification (germline): Pathogenic (1 of 4 stars; one submission).

Conditions:
Congenital contractural arachnodactyly (CCA). Also called: Beals-Hecht syndrome; Arthrogryposis, distal, type 9; BEALS SYNDROME. Identifiers: Orphanet 115, MedGen C0220668, MONDO:0007363, OMIM 121050.

Submission:

Labcorp Genetics (formerly Invitae), Labcorp
Classification: Pathogenic for Congenital contractural arachnodactyly. Last evaluated: 2022-12-06. Review status: criteria provided, single submitter. Criteria: Invitae Variant Classification Sherloc (09022015). Collection method: clinical testing. Allele origin: unknown.
Comment: This variant is a gross deletion of the genomic region encompassing exon(s) 35-36 of the FBN2 gene. This variant would be expected to be in-frame, preserving the integrity of the reading frame. For these reasons, this variant has been classified as Pathogenic. This variant affects a cysteine residue located within an epidermal growth factor (EGF)‚Äìlike domain of the FBN2 protein. Cysteine residues in these domains are involved in the formation of disulfide bridges critical for protein structure and stability (PMID: 3495735, 4750422, 16677079). In addition, missense substitutions within the FBN2 EGF-like domains affecting cysteine residues are overrepresented in patients with congenital contractural arachnodactyly (PMID: 18767143). A similar copy number variant has been observed in individuals with clinical features of congenital contractural arachnodactyly (Invitae).

Literature cited by the submitters: PubMed 3495735; PubMed 4750422; PubMed 16677079; PubMed 18767143.